The following is an entry in ClinVar:

ClinVar aggregate classification (germline): Uncertain significance (1 of 4 stars; one submission).

Submission:

GeneDx
Classification: Uncertain significance. Last evaluated: 2026-03-27. Review status: criteria provided, single submitter. Criteria: GeneDx Variant Classification Process June 2021. Collection method: clinical testing. Allele origin: germline.
Comment: Not observed at significant frequency in large population cohorts (gnomAD); In silico analysis suggests that this missense variant does not alter protein structure/function; Has not been previously published as pathogenic or benign to our knowledge

NM_006734.4(HIVEP2):c.2704A>G (p.Lys902Glu)

Gene: HIVEP2 (HIVEP zinc finger 2; minus strand). Cytogenetic location: 6q24.2.
Variant type: single nucleotide variant.
Coding change: c.2704A>G on transcript NM_006734.4 (MANE Select); coding-DNA position 2704, A replaced by G.
Protein change: p.Lys902Glu; replaces lysine 902 with glutamic acid.
Molecular consequence: missense variant.
Genome position (GRCh38, 1-based): chr6:142,772,035, T>C on the plus strand (A>G on the coding strand, the complement: HIVEP2 is on the minus strand). VCF-style: chr6-142772035-T-C. GRCh37 (hg19) VCF-style: chr6-143093172-T-C.
Other names: c.2704A>G, p.Lys902Glu (NM_001438449.1, NM_001438450.1, NM_001438451.1); short protein forms K902E.
Identifiers: ClinVar variation 5017494 (VCV005017494.1).